The following is an entry in ClinVar:

ClinVar aggregate classification (germline): Likely benign. Review status: criteria provided, multiple submitters, no conflicts (2 of 4 stars). 3 submissions from 3 submitters: Likely benign (2). 1 of the submissions does not count toward it. Last evaluated 2026-09-01.

Conditions:
CLCN7-related disorder. Also called: CLCN7-related condition.

Allele frequency attached by ClinVar (database versions not stated): TOPMed 0.00002.

Submissions (3):

CeGaT Center for Human Genetics Tuebingen
Classification: Likely benign. Last evaluated: 2026-09-01. Review status: criteria provided, single submitter. Criteria: CeGaT Center For Human Genetics Tuebingen Variant Classification Criteria Version 2. Collection method: clinical testing. Allele origin: germline. Affected: yes. Observed: 1 variant allele.
Comment: CLCN7: BP4, BP7

Labcorp Genetics (formerly Invitae), Labcorp
Classification: Likely benign. Last evaluated: 2026-01-19. Review status: criteria provided, single submitter. Criteria: Invitae Variant Classification Sherloc (09022015). Collection method: clinical testing. Allele origin: germline.

PreventionGenetics, part of Exact Sciences
Classification: Likely benign for CLCN7-related condition. Last evaluated: 2019-06-25. Review status: no assertion criteria provided. Collection method: clinical testing. Allele origin: germline. Not counted in ClinVar's aggregate classification.
Comment: This variant is classified as likely benign based on ACMG/AMP sequence variant interpretation guidelines (Richards et al. 2015 PMID: 25741868, with internal and published modifications).

NM_001287.6(CLCN7):c.1392G>A (p.Ala464=)

Gene: CLCN7 (Cl-/H+ antiporter 7; minus strand). Cytogenetic location: 16p13.3.
Variant type: single nucleotide variant.
Coding change: c.1392G>A on transcript NM_001287.6 (MANE Select); coding-DNA position 1392, G replaced by A.
Protein change: p.Ala464=; no amino-acid change (alanine 464 retained).
Molecular consequence: synonymous variant.
Genome position (GRCh38, 1-based): chr16:1,451,678, C>T on the plus strand (G>A on the coding strand, the complement: CLCN7 is on the minus strand). VCF-style: chr16-1451678-C-T. GRCh37 (hg19) VCF-style: chr16-1501679-C-T.
Other names: c.1320G>A, p.Ala440= (NM_001114331.3).
Identifiers: ClinVar variation 725776 (VCV000725776.11), dbSNP rs201846545, ClinGen allele CA7810274.